The following is an entry in ClinVar:

NM_004329.3(BMPR1A):c.1019del (p.Cys340fs)

Gene: BMPR1A (bone morphogenetic protein receptor type 1A; plus strand). Cytogenetic location: 10q23.2.
Variant type: Deletion.
Coding change: c.1019del on transcript NM_004329.3 (MANE Select); coding-DNA position 1019, one base deleted (G; older notation c.1019delG).
Protein change: p.Cys340fs; shifts the reading frame from cysteine 340.
Molecular consequence: frameshift variant. On other transcripts: non-coding transcript variant (3).
Genome position (GRCh38, 1-based): chr10:86,919,322, G deleted. VCF-style (leftmost placement, unchanged base first): chr10-86919321-TG-T. GRCh37 (hg19) VCF-style: chr10-88679078-TG-T.
Other names: c.1019del, p.Cys340fs (NM_001406582.1, NM_001406561.1, NM_001406562.1 and 19 more transcripts); c.1013del, p.Cys338fs (NM_001406583.1); c.935del, p.Cys312fs (NM_001406584.1, NM_001406585.1, NM_001406586.1 and 2 more transcripts); c.677del, p.Cys226fs (NM_001406589.1); c.1094del, p.Cys365fs (NM_001406559.1); c.1067del, p.Cys356fs (NM_001406560.1); short protein forms C226fs, C340fs, C312fs, C356fs, C338fs, C365fs.
Identifiers: ClinVar variation 2770421 (VCV002770421.3), dbSNP rs2539620708, ClinGen allele CA2697558528.
Genomic context (GRCh38, chr10:86,919,321, plus strand): 5'-TTCCTGAAATGTGCTACACTGGACACCAGAGCCCTGCTTAAATTGGCTTATTCAGCTGCC[TG>T]TGGTCTGTGCCACCTGCACACAGAAATTTATGGCACCCAAGGAAAGCCCGCAATTGCTCA-3'

ClinVar aggregate classification (germline): Pathogenic (1 of 4 stars; one submission).

Conditions:
Juvenile polyposis syndrome (JPS). Identifiers: Orphanet 2929, MedGen C0345893, MONDO:0017380, OMIM 174900.

Submission:

Labcorp Genetics (formerly Invitae), Labcorp
Classification: Pathogenic for Juvenile polyposis syndrome. Last evaluated: 2023-10-22. Review status: criteria provided, single submitter. Criteria: Invitae Variant Classification Sherloc (09022015). Collection method: clinical testing. Allele origin: germline.
Comment: This sequence change creates a premature translational stop signal (p.Cys340Leufs*24) in the BMPR1A gene. It is expected to result in an absent or disrupted protein product. Loss-of-function variants in BMPR1A are known to be pathogenic (PMID: 11536076, 12417513). This variant is not present in population databases (gnomAD no frequency). This variant has not been reported in the literature in individuals affected with BMPR1A-related conditions. For these reasons, this variant has been classified as Pathogenic.

Literature cited by the submitters: PubMed 11536076; PubMed 12417513.